The following is an entry in ClinVar:

ClinVar aggregate classification (germline): Likely benign. Review status: criteria provided, multiple submitters, no conflicts (2 of 4 stars). 3 submissions from 3 submitters: Likely benign (2). 1 of the submissions does not count toward it. Last evaluated 2026-05-01.

Conditions:
JMJD1C-related disorder. Also called: JMJD1C-related condition.
Early Myoclonic Encephalopathy. Identifiers: MedGen C0270855.

Allele frequency attached by ClinVar (database versions not stated): gnomAD exomes 0.00012 and 0.00055; gnomAD 0.00030 and 0.00031; ESP Exome Variant Server 0.00032; TOPMed 0.00043; 1000 Genomes Project 30x 0.00047; ExAC 0.00054; 1000 Genomes Project 0.00060.
gnomAD v4.1: 339 of 1,613,794 alleles (0.021%); highest among the groups gnomAD compares: East Asian, 0.38%; 6 homozygotes.

Submissions (3):

CeGaT Center for Human Genetics Tuebingen
Classification: Likely benign. Last evaluated: 2026-05-01. Review status: criteria provided, single submitter. Criteria: CeGaT Center For Human Genetics Tuebingen Variant Classification Criteria Version 2. Collection method: clinical testing. Allele origin: germline. Affected: yes. Observed: 1 variant allele.
Comment: JMJD1C: BP4

Labcorp Genetics (formerly Invitae), Labcorp
Classification: Likely benign for Early Myoclonic Encephalopathy. Last evaluated: 2025-12-21. Review status: criteria provided, single submitter. Criteria: Invitae Variant Classification Sherloc (09022015). Collection method: clinical testing. Allele origin: germline.

PreventionGenetics, part of Exact Sciences
Classification: Likely benign for JMJD1C-related condition. Last evaluated: 2022-04-27. Review status: no assertion criteria provided. Collection method: clinical testing. Allele origin: germline. Not counted in ClinVar's aggregate classification.
Comment: This variant is classified as likely benign based on ACMG/AMP sequence variant interpretation guidelines (Richards et al. 2015 PMID: 25741868, with internal and published modifications).

NM_032776.3(JMJD1C):c.4386G>C (p.Lys1462Asn)

Gene: JMJD1C (jumonji domain containing 1C; minus strand). Cytogenetic location: 10q21.3.
Variant type: single nucleotide variant.
Coding change: c.4386G>C on transcript NM_032776.3 (MANE Select); coding-DNA position 4386, G replaced by C.
Protein change: p.Lys1462Asn; replaces lysine 1462 with asparagine.
Molecular consequence: missense variant. On other transcripts: non-coding transcript variant (1).
Genome position (GRCh38, 1-based): chr10:63,207,283, C>G on the plus strand (G>C on the coding strand, the complement: JMJD1C is on the minus strand). VCF-style: chr10-63207283-C-G. GRCh37 (hg19) VCF-style: chr10-64967043-C-G.
Other names: c.3840G>C, p.Lys1280Asn (NM_001282948.2, NM_001318154.2); c.3522G>C, p.Lys1174Asn (NM_001318153.2); c.4272G>C, p.Lys1424Asn (NM_001322252.2); c.3729G>C, p.Lys1243Asn (NM_001322254.2, NM_001322258.2); short protein forms K1462N, K1243N, K1280N, K1174N, K1424N.
Identifiers: ClinVar variation 460248 (VCV000460248.15), dbSNP rs188520171, ClinGen allele CA5518277.